The following is an entry in ClinVar:

ClinVar aggregate classification (somatic clinical impact): Tier I - Strong (1 of 4 stars; one submission).

Conditions:
Medulloblastoma WNT activated. Identifiers: MedGen C4331965, MONDO:0850196.

Submission:

Institute for Genomic Medicine (IGM) Clinical Laboratory, Nationwide Children's Hospital
Classification: Tier I - Strong for Medulloblastoma WNT activated. Assertion type: diagnostic. Clinical significance: supports diagnosis. Last evaluated: 2025-05-19. Review status: criteria provided, single submitter. Criteria: AMP/ASCO/CAP Guidelines, 2017. Collection method: clinical testing. Allele origin: somatic. Affected: yes.
Comment: Variant has Tier I (strong) clinical significance as a diagnostic inclusion criterion in medulloblastoma WNT activated, based on the following evidence: 1) Documented in one or more cancer databases (e.g., St. Jude Pecan, COSMIC, CIViC, OncoKB). 2) Appears in one or more well-established professional guidelines (e.g., World Health Organization [WHO]; National Comprehensive Cancer Network [NCCN]) as providing diagnostic, prognostic, or therapeutic information. 3) Information in the literature supports potential biologic effect of variant (PMIDs: 25724843, 32553121, 22820256). 4) Diagnostic for a specific tumor type/classification based on well-powered studies with expert-level consensus (Evidence Level B; PMIDs: 22722829, 22820256, 22832583, 28726821).

Literature cited by the submitters: PubMed 25724843; PubMed 32553121; PubMed 22820256; PubMed 22722829; PubMed 22832583; PubMed 28726821.

NM_001356.5(DDX3X):c.977G>T (p.Arg326Leu)

Gene: DDX3X (DEAD-box helicase 3 X-linked; plus strand). Cytogenetic location: Xp11.4.
Variant type: single nucleotide variant.
Coding change: c.977G>T on transcript NM_001356.5 (MANE Select); coding-DNA position 977, G replaced by T.
Protein change: p.Arg326Leu; replaces arginine 326 with leucine.
Molecular consequence: missense variant. On other transcripts: non-coding transcript variant (1).
Genome position (GRCh38, 1-based): chrX:41,344,351, G>T. VCF-style: chrX-41344351-G-T. GRCh37 (hg19) VCF-style: chrX-41203604-G-T.
Other names: c.977G>T, p.Arg326Leu (NM_001193416.3); c.929G>T, p.Arg310Leu (NM_001193417.3); c.419G>T, p.Arg140Leu (NM_001363819.1); short protein forms R140L, R310L, R326L.
Identifiers: ClinVar variation 4530084 (VCV004530084.1).
Genomic context (GRCh38, chrX:41,344,351, plus strand): 5'-TTGGTCAGCAGATTCGAGACTTGGAACGTGGATGCCATTTGTTAGTAGCCACTCCAGGAC[G>T]TCTAGTGGATATGATGGAAAGAGGAAAGATTGGATTAGACTTTTGCAAGTATGTTTTATT-3'
Protein context (NP_001347.3, residues 316-336): GCHLLVATPG[Arg326Leu]LVDMMERGKI